The following is an entry in ClinVar:

NM_007294.4(BRCA1):c.179A>T (p.Gln60Leu)

Gene: BRCA1 (BRCA1 DNA repair associated; minus strand). Cytogenetic location: 17q21.31.
Variant type: single nucleotide variant.
Coding change: c.179A>T on transcript NM_007294.4 (MANE Select); coding-DNA position 179, A replaced by T.
Protein change: p.Gln60Leu; replaces glutamine 60 with leucine.
Molecular consequence: missense variant. On other transcripts: non-coding transcript variant (1).
Genome position (GRCh38, 1-based): chr17:43,106,489, T>A on the plus strand (A>T on the coding strand, the complement: BRCA1 is on the minus strand). VCF-style: chr17-43106489-T-A. GRCh37 (hg19) VCF-style: chr17-41258506-T-A.
Other names: c.38A>T, p.Gln13Leu (NM_007297.4, NM_001407692.1, NM_001407694.1 and 99 more transcripts); c.179A>T, p.Gln60Leu (NM_007298.4, NM_007299.4, NM_007300.4 and 168 more transcripts); c.-10A>T (NM_001407571.1, NM_001407853.1, NM_001407879.1 and 58 more transcripts); short protein forms Q13L, Q60L.
Identifiers: ClinVar variation 867307 (VCV000867307.3), dbSNP rs373655067, ClinGen allele CA10601803.

Conditions:
Breast-ovarian cancer, familial, susceptibility to, 1 (BROVCA1). Also called: BRCA1 Hereditary Breast and Ovarian Cancer; OVARIAN CANCER, SUSCEPTIBILITY TO. Identifiers: Orphanet 145, MedGen C2676676, MONDO:0011450, OMIM 604370. Disease mechanism: loss of function.

Submission:

Brotman Baty Institute, University of Washington
No classification provided (evidence only). Condition: Breast-ovarian cancer, familial 1. Review status: no classification provided. Collection method: in vitro. Allele origin: not applicable. Functional consequence: functionally_normal.
ClinVar note: "not provided" was previously submitted as the classification for the variant. However, the classification appeared to be based only on an observation of functional data so it was converted to no classification on 2025-07-30.